The following is an entry in ClinVar:

NM_014225.6(PPP2R1A):c.504G>A (p.Gln168=)

Gene: PPP2R1A (protein phosphatase 2 scaffold subunit Aalpha; plus strand). Cytogenetic location: 19q13.41.
Variant type: single nucleotide variant.
Coding change: c.504G>A on transcript NM_014225.6 (MANE Select); coding-DNA position 504, G replaced by A.
Protein change: p.Gln168=; no amino-acid change (glutamine 168 retained).
Molecular consequence: synonymous variant. On other transcripts: 5 prime UTR variant (1), non-coding transcript variant (1).
Genome position (GRCh38, 1-based): chr19:52,212,686, G>A. VCF-style: chr19-52212686-G-A. GRCh37 (hg19) VCF-style: chr19-52715939-G-A.
Other names: c.-34G>A (NM_001363656.2).
Identifiers: ClinVar variation 2817018 (VCV002817018.3), dbSNP rs2089681749, ClinGen allele CA508826382.
Genomic context (GRCh38, chr19:52,212,686, plus strand): 5'-GTGCTTGCTCCTCTCTGCCATACTGCCTGCTGCCTCAGGATCCCCGTCCCCGACTCCCAG[G>A]TACTTCCGGAACCTGTGCTCAGATGACACCCCCATGGTGCGGCGGGCCGCAGCCTCCAAG-3'
Protein context (NP_055040.2, residues 158-178): VSSAVKAELR[Gln168=]YFRNLCSDDT

ClinVar aggregate classification (germline): Uncertain significance (1 of 4 stars; one submission).

Allele frequency attached by ClinVar (database versions not stated): TOPMed below 0.00001.

Submission:

Labcorp Genetics (formerly Invitae), Labcorp
Classification: Uncertain significance. Last evaluated: 2023-10-10. Review status: criteria provided, single submitter. Criteria: Invitae Variant Classification Sherloc (09022015). Collection method: clinical testing. Allele origin: germline.
Comment: This sequence change affects codon 168 of the PPP2R1A mRNA. It is a 'silent' change, meaning that it does not change the encoded amino acid sequence of the PPP2R1A protein. It affects a nucleotide within the consensus splice site. This variant is not present in population databases (gnomAD no frequency). This variant has not been reported in the literature in individuals affected with PPP2R1A-related conditions. Algorithms developed to predict the effect of sequence changes on RNA splicing suggest that this variant may create or strengthen a splice site. In summary, the available evidence is currently insufficient to determine the role of this variant in disease. Therefore, it has been classified as a Variant of Uncertain Significance.